The following is an entry in ClinVar:

NM_001363.5(DKC1):c.1036+6_1036+7del

Gene: DKC1 (dyskerin pseudouridine synthase 1; plus strand). Cytogenetic location: Xq28.
Variant type: Microsatellite.
Coding change: c.1036+6_1036+7del on transcript NM_001363.5 (MANE Select); bases 6 to 7 of the intron after coding-DNA position 1036, 2 bases deleted (AG; older notation c.1036+6_1036+7delAG).
Molecular consequence: intron variant.
Genome position (GRCh38, 1-based): chrX:154,770,885-154,770,886, AG deleted; deleting any 2 consecutive bases within chrX:154,770,883-154,770,886 gives the same sequence; the c. name uses the placement nearest the transcript's 3' end. VCF-style (leftmost placement, unchanged base first): chrX-154770882-AAG-A. GRCh37 (hg19) VCF-style: chrX-153999157-AAG-A.
Other names: c.1036+6_1036+7del (NM_001288747.2, NM_001142463.3); c.1036+6_1036+7delAG (NM_001363.4).
Identifiers: ClinVar variation 952260 (VCV000952260.10), dbSNP rs1557264868, ClinGen allele CA645247618.

ClinVar aggregate classification (germline): Uncertain significance. Review status: criteria provided, single submitter (1 of 4 stars). 2 submissions from 2 submitters: Uncertain significance (1). 1 of the submissions does not count toward it. Last evaluated 2025-06-22.

Conditions:
DKC1-related disorder. Also called: DKC1-related condition. Identifiers: MedGen CN294808, MONDO:0100152.
Dyskeratosis congenita. Identifiers: Orphanet 1775, MedGen C0265965, MONDO:0015780.

Submissions (2):

Labcorp Genetics (formerly Invitae), Labcorp
Classification: Uncertain significance for Dyskeratosis congenita. Last evaluated: 2025-06-22. Review status: criteria provided, single submitter. Criteria: Invitae Variant Classification Sherloc (09022015). Collection method: clinical testing. Allele origin: germline.
Comment: This sequence change falls in intron 10 of the DKC1 gene. It does not directly change the encoded amino acid sequence of the DKC1 protein. It affects a nucleotide within the consensus splice site. This variant is present in population databases (no rsID available, gnomAD 0.008%). This variant has not been reported in the literature in individuals affected with DKC1-related conditions. ClinVar contains an entry for this variant (Variation ID: 952260). Variants that disrupt the consensus splice site are a relatively common cause of aberrant splicing (PMID: 17576681, 9536098). Algorithms developed to predict the effect of sequence changes on RNA splicing suggest that this variant is not likely to affect RNA splicing. In summary, the available evidence is currently insufficient to determine the role of this variant in disease. Therefore, it has been classified as a Variant of Uncertain Significance.

PreventionGenetics, part of Exact Sciences
Classification: Likely benign for DKC1-related condition. Last evaluated: 2020-04-14. Review status: no assertion criteria provided. Collection method: clinical testing. Allele origin: germline. Not counted in ClinVar's aggregate classification.
Comment: This variant is classified as likely benign based on ACMG/AMP sequence variant interpretation guidelines (Richards et al. 2015 PMID: 25741868, with internal and published modifications).

Literature cited by the submitters: PubMed 17576681 (cited by Labcorp Genetics (formerly Invitae), Labcorp); PubMed 9536098 (cited by Labcorp Genetics (formerly Invitae), Labcorp).